The following is an entry in ClinVar:

ClinVar aggregate classification (germline): Uncertain significance (1 of 4 stars; one submission).

Submission:

GeneDx
Classification: Uncertain significance. Last evaluated: 2023-12-23. Review status: criteria provided, single submitter. Criteria: GeneDx Variant Classification Process June 2021. Collection method: clinical testing. Allele origin: germline. Affected: yes.
Comment: Not observed at significant frequency in large population cohorts (gnomAD); In silico analysis supports that this missense variant has a deleterious effect on protein structure/function; Has not been previously published as pathogenic or benign to our knowledge

NM_001385012.1(NBEA):c.1853C>A (p.Thr618Lys)

Gene: NBEA (neurobeachin; plus strand). Cytogenetic location: 13q13.3.
Variant type: single nucleotide variant.
Coding change: c.1853C>A on transcript NM_001385012.1 (MANE Select); coding-DNA position 1853, C replaced by A.
Protein change: p.Thr618Lys; replaces threonine 618 with lysine.
Molecular consequence: missense variant.
Genome position (GRCh38, 1-based): chr13:35,110,829, C>A. VCF-style: chr13-35110829-C-A. GRCh37 (hg19) VCF-style: chr13-35684966-C-A.
Other names: c.1853C>A, p.Thr618Lys (NM_001379245.1, NM_015678.5); short protein forms T618K.
Identifiers: ClinVar variation 3370272 (VCV003370272.1).